The following is an entry in ClinVar:

ClinVar aggregate classification (germline): Uncertain significance (1 of 4 stars; one submission).

Conditions:
Deafness-lymphedema-leukemia syndrome. Also called: Lymphedema, primary, with myelodysplasia; Emberger syndrome. Identifiers: Orphanet 3226, MedGen C3279664, MONDO:0013540, OMIM 614038.
Monocytopenia with susceptibility to infections. Also called: MONOCYTOPENIA AND MYCOBACTERIAL INFECTION SYNDROME; MONOCYTOPENIA WITH SUSCEPTIBILITY TO MYCOBACTERIAL, FUNGAL, AND PAPILLOMAVIRUS INFECTIONS AND MYELODYSPLASIA; COMBINED IMMUNODEFICIENCY WITH SUSCEPTIBILITY TO MYCOBACTERIAL, VIRAL, AND FUNGAL INFECTIONS; Dendritic cell, monocyte, B lymphocyte, and natural killer lymphocyte deficiency; GATA2 DEFICIENCY; IMMUNODEFICIENCY 21. Identifiers: Orphanet 228423, MedGen C3280030, MONDO:0013607, OMIM 614172.

Submission:

Labcorp Genetics (formerly Invitae), Labcorp
Classification: Uncertain significance for Monocytopenia with susceptibility to infections; Deafness-lymphedema-leukemia syndrome. Last evaluated: 2021-10-24. Review status: criteria provided, single submitter. Criteria: Invitae Variant Classification Sherloc (09022015). Collection method: clinical testing. Allele origin: germline.
Comment: Algorithms developed to predict the effect of missense changes on protein structure and function are either unavailable or do not agree on the potential impact of this missense change (SIFT: "Tolerated"; PolyPhen-2: "Probably Damaging"; Align-GVGD: "Class C0"). In summary, the available evidence is currently insufficient to determine the role of this variant in disease. Therefore, it has been classified as a Variant of Uncertain Significance. This variant has not been reported in the literature in individuals affected with GATA2-related conditions. This variant is not present in population databases (ExAC no frequency). This sequence change replaces alanine with valine at codon 431 of the GATA2 protein (p.Ala431Val). The alanine residue is moderately conserved and there is a small physicochemical difference between alanine and valine.

NM_032638.5(GATA2):c.1292C>T (p.Ala431Val)

Gene: GATA2 (GATA binding protein 2; minus strand). Cytogenetic location: 3q21.3.
Variant type: single nucleotide variant.
Coding change: c.1292C>T on transcript NM_032638.5 (MANE Select); coding-DNA position 1292, C replaced by T.
Protein change: p.Ala431Val; replaces alanine 431 with valine.
Molecular consequence: missense variant.
Genome position (GRCh38, 1-based): chr3:128,481,170, G>A on the plus strand (C>T on the coding strand, the complement: GATA2 is on the minus strand). VCF-style: chr3-128481170-G-A. GRCh37 (hg19) VCF-style: chr3-128200013-G-A.
Other names: c.1292C>T, p.Ala431Val (NM_001145661.2); c.1250C>T, p.Ala417Val (NM_001145662.1); short protein forms A417V, A431V.
Identifiers: ClinVar variation 1518217 (VCV001518217.6), dbSNP rs2107667891, ClinGen allele CA354412832.
Genomic context (GRCh38, chr3:128,481,170, plus strand): 5'-TGTCCGGAGTGGCTGAAGGGCGGGAGGTGGCCCACAGGTGCCATGTGTCCAGCCAGGGCA[G>A]CTGCACTGAAGGGGGATGACTTCTCCTGCATGCACTTTGACAGCTCCTCGAAGCACTCCG-3'
Protein context (NP_116027.2, residues 421-441): MQEKSSPFSA[Ala431Val]ALAGHMAPVG